The following is an entry in ClinVar:

NM_004525.3(LRP2):c.2782T>G (p.Phe928Val)

Gene: LRP2 (LDL receptor related protein 2; minus strand). Cytogenetic location: 2q31.1.
Variant type: single nucleotide variant.
Coding change: c.2782T>G on transcript NM_004525.3 (MANE Select); coding-DNA position 2782, T replaced by G.
Protein change: p.Phe928Val; replaces phenylalanine 928 with valine.
Molecular consequence: missense variant.
Genome position (GRCh38, 1-based): chr2:169,247,504, A>C on the plus strand (T>G on the coding strand, the complement: LRP2 is on the minus strand). VCF-style: chr2-169247504-A-C. GRCh37 (hg19) VCF-style: chr2-170104014-A-C.
Other names: short protein forms F928V.
Identifiers: ClinVar variation 1450686 (VCV001450686.4), dbSNP rs200192222, ClinGen allele CA1955206.

ClinVar aggregate classification (germline): Uncertain significance. Review status: criteria provided, multiple submitters, no conflicts (2 of 4 stars). 2 submissions from 2 submitters: Uncertain significance (2). Last evaluated 2022-04-18.

Conditions:
Donnai-Barrow syndrome. Also called: DBS/FOAR SYNDROME; FACIOOCULOACOUSTICORENAL SYNDROME. Identifiers: Orphanet 2143, MedGen C1857277, MONDO:0009104, OMIM 222448.

Allele frequency attached by ClinVar (database versions not stated): ExAC 0.00002; gnomAD 0.00002 and 0.00003; gnomAD exomes 0.00002 and 0.00006; TOPMed 0.00003; 1000 Genomes Project 30x 0.00016; 1000 Genomes Project 0.00020.
gnomAD v4.1: 88 of 1,614,194 alleles (0.0055%); highest among the groups gnomAD compares: Admixed American, 0.012%; no homozygotes.

Submissions (2):

Fulgent Genetics
Classification: Uncertain significance for Donnai-Barrow syndrome. Last evaluated: 2022-04-18. Review status: criteria provided, single submitter. Criteria: ACMG Guidelines, 2015. Collection method: clinical testing. Allele origin: unknown.

Labcorp Genetics (formerly Invitae), Labcorp
Classification: Uncertain significance. Last evaluated: 2022-01-12. Review status: criteria provided, single submitter. Criteria: Invitae Variant Classification Sherloc (09022015). Collection method: clinical testing. Allele origin: germline.
Comment: This sequence change replaces phenylalanine, which is neutral and non-polar, with valine, which is neutral and non-polar, at codon 928 of the LRP2 protein (p.Phe928Val). This variant is present in population databases (rs200192222, gnomAD 0.006%). This variant has not been reported in the literature in individuals affected with LRP2-related conditions. Advanced modeling of protein sequence and biophysical properties (such as structural, functional, and spatial information, amino acid conservation, physicochemical variation, residue mobility, and thermodynamic stability) performed at Invitae indicates that this missense variant is not expected to disrupt LRP2 protein function. In summary, the available evidence is currently insufficient to determine the role of this variant in disease. Therefore, it has been classified as a Variant of Uncertain Significance.